The following is an entry in ClinVar:

ClinVar aggregate classification (germline): Uncertain significance (1 of 4 stars; one submission).

Allele frequency attached by ClinVar (database versions not stated): gnomAD exomes 0.00001; gnomAD 0.00002; TOPMed 0.00002; ExAC 0.00003.
gnomAD v4.1: 16 of 1,614,046 alleles (0.00099%); highest among the groups gnomAD compares: African/African-American, 0.004%; no homozygotes.

Submission:

Labcorp Genetics (formerly Invitae), Labcorp
Classification: Uncertain significance. Last evaluated: 2022-12-06. Review status: criteria provided, single submitter. Criteria: Invitae Variant Classification Sherloc (09022015). Collection method: clinical testing. Allele origin: germline.
Comment: In summary, the available evidence is currently insufficient to determine the role of this variant in disease. Therefore, it has been classified as a Variant of Uncertain Significance. Algorithms developed to predict the effect of missense changes on protein structure and function are either unavailable or do not agree on the potential impact of this missense change (SIFT: "Deleterious"; PolyPhen-2: "Benign"; Align-GVGD: "Class C35"). This variant has not been reported in the literature in individuals affected with RFWD3-related conditions. This variant is present in population databases (rs754138211, gnomAD 0.006%). This sequence change replaces tyrosine, which is neutral and polar, with cysteine, which is neutral and slightly polar, at codon 759 of the RFWD3 protein (p.Tyr759Cys).

NM_018124.4(RFWD3):c.2276A>G (p.Tyr759Cys)

Gene: RFWD3 (ring finger and WD repeat domain 3; minus strand). Cytogenetic location: 16q23.1.
Variant type: single nucleotide variant.
Coding change: c.2276A>G on transcript NM_018124.4 (MANE Select); coding-DNA position 2276, A replaced by G.
Protein change: p.Tyr759Cys; replaces tyrosine 759 with cysteine.
Molecular consequence: missense variant.
Genome position (GRCh38, 1-based): chr16:74,623,977, T>C on the plus strand (A>G on the coding strand, the complement: RFWD3 is on the minus strand). VCF-style: chr16-74623977-T-C. GRCh37 (hg19) VCF-style: chr16-74657875-T-C.
Other names: c.1442A>G, p.Tyr481Cys (NM_001370542.1, NM_001370543.1, NM_001370537.1 and 3 more transcripts); c.2276A>G, p.Tyr759Cys (NM_001370534.1, NM_001370535.1); c.2099A>G, p.Tyr700Cys (NM_001370536.1); short protein forms Y700C, Y759C, Y481C.
Identifiers: ClinVar variation 2818954 (VCV002818954.3), dbSNP rs754138211, ClinGen allele CA8168928.